The following is an entry in ClinVar:

ClinVar aggregate classification (germline): Uncertain significance. Review status: criteria provided, multiple submitters, no conflicts (2 of 4 stars). 2 submissions from 2 submitters: Uncertain significance (2). Last evaluated 2022-04-07.

Conditions:
Inborn genetic diseases. Identifiers: MedGen C0950123, MeSH D030342.

Allele frequency attached by ClinVar (database versions not stated): gnomAD 0.00003; TOPMed 0.00003; ExAC 0.00008; ESP Exome Variant Server 0.00008.
gnomAD v4.1: 123 of 1,613,500 alleles (0.0076%); highest among the groups gnomAD compares: Non-Finnish European, 0.01%; no homozygotes.

Submissions (2):

Ambry Genetics
Classification: Uncertain significance for Inborn genetic diseases. Last evaluated: 2022-04-07. Review status: criteria provided, single submitter. Criteria: Ambry Variant Classification Scheme 2023. Collection method: clinical testing. Allele origin: germline.

Labcorp Genetics (formerly Invitae), Labcorp
Classification: Uncertain significance. Last evaluated: 2022-04-03. Review status: criteria provided, single submitter. Criteria: Invitae Variant Classification Sherloc (09022015). Collection method: clinical testing. Allele origin: germline.
Comment: This sequence change replaces aspartic acid, which is acidic and polar, with asparagine, which is neutral and polar, at codon 1983 of the DMXL2 protein (p.Asp1983Asn). This variant is present in population databases (rs148712939, gnomAD 0.007%). This variant has not been reported in the literature in individuals affected with DMXL2-related conditions. Algorithms developed to predict the effect of missense changes on protein structure and function (SIFT, PolyPhen-2, Align-GVGD) all suggest that this variant is likely to be tolerated. In summary, the available evidence is currently insufficient to determine the role of this variant in disease. Therefore, it has been classified as a Variant of Uncertain Significance.

NM_001378457.1(DMXL2):c.5947G>A (p.Asp1983Asn)

Gene: DMXL2 (Dmx like 2; minus strand). Cytogenetic location: 15q21.2.
Variant type: single nucleotide variant.
Coding change: c.5947G>A on transcript NM_001378457.1 (MANE Select); coding-DNA position 5947, G replaced by A.
Protein change: p.Asp1983Asn; replaces aspartic acid 1983 with asparagine.
Molecular consequence: missense variant. On other transcripts: non-coding transcript variant (2).
Genome position (GRCh38, 1-based): chr15:51,481,159, C>T on the plus strand (G>A on the coding strand, the complement: DMXL2 is on the minus strand). VCF-style: chr15-51481159-C-T. GRCh37 (hg19) VCF-style: chr15-51773356-C-T.
Other names: c.5947G>A, p.Asp1983Asn (NM_001174116.3, NM_001378458.1, NM_001378459.1 and 4 more transcripts); c.4039G>A, p.Asp1347Asn (NM_001174117.3); c.3928G>A, p.Asp1310Asn (NM_001378460.1); c.5707G>A, p.Asp1903Asn (NM_001378464.1); short protein forms D1347N, D1903N, D1310N, D1983N.
Identifiers: ClinVar variation 1984397 (VCV001984397.2), dbSNP rs148712939, ClinGen allele CA7561713.